The following is an entry in ClinVar:

NM_000414.4(HSD17B4):c.1592T>G (p.Leu531Ter)

Gene: HSD17B4 (hydroxysteroid 17-beta dehydrogenase 4; plus strand). Cytogenetic location: 5q23.1.
Variant type: single nucleotide variant.
Coding change: c.1592T>G on transcript NM_000414.4 (MANE Select); coding-DNA position 1592, T replaced by G.
Protein change: p.Leu531Ter; replaces leucine 531 with a stop codon.
Molecular consequence: nonsense. On other transcripts: non-coding transcript variant (2).
Genome position (GRCh38, 1-based): chr5:119,525,935, T>G. VCF-style: chr5-119525935-T-G. GRCh37 (hg19) VCF-style: chr5-118861630-T-G.
Other names: c.1667T>G, p.Leu556Ter (NM_001199291.3); c.1538T>G, p.Leu513Ter (NM_001199292.2); c.1520T>G, p.Leu507Ter (NM_001292027.2, NM_001374498.1); c.1172T>G, p.Leu391Ter (NM_001292028.2); c.1583T>G, p.Leu528Ter (NM_001374497.1); c.1265T>G, p.Leu422Ter (NM_001374499.1); c.1151T>G, p.Leu384Ter (NM_001374500.1); c.1181T>G, p.Leu394Ter (NM_001374501.1, NM_001374502.1, NM_001374503.1); short protein forms L391*, L528*, L531*, L422*, L384*, L394*, L507*, L513*.
Identifiers: ClinVar variation 2953698 (VCV002953698.3), dbSNP rs1753554489, ClinGen allele CA360869233.

ClinVar aggregate classification (germline): Pathogenic (1 of 4 stars; one submission).

Conditions:
Bifunctional peroxisomal enzyme deficiency (DBIF). Also called: DBP DEFICIENCY; PBFE DEFICIENCY; D-bifunctional protein deficiency. Identifiers: Orphanet 300, MedGen C0342870, MONDO:0009855, OMIM 261515. Disease mechanism: loss of function.
Perrault syndrome. Also called: Gonadal dysgenesis with auditory dysfunction, autosomal recessive inheritance. Identifiers: Orphanet 2855, MedGen C0685838, MONDO:0017312.

Allele frequency attached by ClinVar (database versions not stated): gnomAD exomes below 0.00001.
gnomAD v4.1: 2 of 1,607,114 alleles (0.00012%); highest among the groups gnomAD compares: Non-Finnish European, 0.00017%; no homozygotes.

Submission:

Labcorp Genetics (formerly Invitae), Labcorp
Classification: Pathogenic for Perrault syndrome; Bifunctional peroxisomal enzyme deficiency. Last evaluated: 2023-11-08. Review status: criteria provided, single submitter. Criteria: Invitae Variant Classification Sherloc (09022015). Collection method: clinical testing. Allele origin: germline.
Comment: This sequence change creates a premature translational stop signal (p.Leu531*) in the HSD17B4 gene. It is expected to result in an absent or disrupted protein product. Loss-of-function variants in HSD17B4 are known to be pathogenic (PMID: 11810648, 16385454, 20673864). This variant is not present in population databases (gnomAD no frequency). This variant has not been reported in the literature in individuals affected with HSD17B4-related conditions. For these reasons, this variant has been classified as Pathogenic.

Literature cited by the submitters: PubMed 11810648; PubMed 16385454; PubMed 20673864.